The following is an entry in ClinVar:

NM_000069.3(CACNA1S):c.3255+6T>C

Gene: CACNA1S (calcium voltage-gated channel subunit alpha1 S; minus strand). Cytogenetic location: 1q32.1.
Variant type: single nucleotide variant.
Coding change: c.3255+6T>C on transcript NM_000069.3 (MANE Select); 6 bases into the intron after coding-DNA position 3255, T replaced by C.
Molecular consequence: intron variant.
Genome position (GRCh38, 1-based): chr1:201,061,261, A>G on the plus strand (T>C on the coding strand, the complement: CACNA1S is on the minus strand). VCF-style: chr1-201061261-A-G. GRCh37 (hg19) VCF-style: chr1-201030389-A-G.
Identifiers: ClinVar variation 3071634 (VCV003071634.3), dbSNP rs777645622, ClinGen allele CA079609.

ClinVar aggregate classification (germline): Uncertain significance. Review status: criteria provided, multiple submitters, no conflicts (2 of 4 stars). 3 submissions from 3 submitters: Uncertain significance (3). Last evaluated 2025-09-16.

Conditions:
Malignant hyperthermia, susceptibility to, 5 (MHS5). Also called: CACNA1S-Related Malignant Hyperthermia Susceptibility. Identifiers: Orphanet 423, MedGen C1866077, MONDO:0011163, OMIM 601887.
Hypokalemic periodic paralysis, type 1. Also called: HypoPP; Hypokalemic Periodic Paralysis Type 1 (AD). Identifiers: Orphanet 681, MedGen C3714580, MONDO:0042979, OMIM 170400.

Allele frequency attached by ClinVar (database versions not stated): ExAC 0.00001.

Submissions (3):

Color Diagnostics, LLC DBA Color Health
Classification: Uncertain significance for Malignant hyperthermia, susceptibility to, 5. Last evaluated: 2025-09-16. Review status: criteria provided, single submitter. Criteria: ACMG Guidelines, 2015. Collection method: clinical testing. Allele origin: germline.
Comment: This variant causes a T to C nucleotide substitution at the +6 position of intron 25 of the CACNA1S gene. To our knowledge, RNA studies have not been reported for this variant. This variant has not been reported in individuals affected with CACNA1S-related disorders in the literature. This variant has been identified in 1/251302 chromosomes in the general population by the Genome Aggregation Database (gnomAD). The available evidence is insufficient to determine the role of this variant in disease conclusively. Therefore, this variant is classified as a Variant of Uncertain Significance.

Labcorp Genetics (formerly Invitae), Labcorp
Classification: Uncertain significance for Hypokalemic periodic paralysis, type 1; Malignant hyperthermia, susceptibility to, 5. Last evaluated: 2025-04-11. Review status: criteria provided, single submitter. Criteria: Invitae Variant Classification Sherloc (09022015). Collection method: clinical testing. Allele origin: germline.
Comment: This sequence change falls in intron 25 of the CACNA1S gene. It does not directly change the encoded amino acid sequence of the CACNA1S protein. It affects a nucleotide within the consensus splice site. This variant is present in population databases (rs777645622, gnomAD 0.0009%). This variant has not been reported in the literature in individuals affected with CACNA1S-related conditions. ClinVar contains an entry for this variant (Variation ID: 3071634). Variants that disrupt the consensus splice site are a relatively common cause of aberrant splicing (PMID: 17576681, 9536098). Algorithms developed to predict the effect of sequence changes on RNA splicing suggest that this variant is not likely to affect RNA splicing. In summary, the available evidence is currently insufficient to determine the role of this variant in disease. Therefore, it has been classified as a Variant of Uncertain Significance.

All of Us Research Program, National Institutes of Health
Classification: Uncertain significance for Malignant hyperthermia, susceptibility to, 5. Last evaluated: 2023-06-08. Review status: criteria provided, single submitter. Criteria: ACMG Guidelines, 2015. Collection method: clinical testing. Allele origin: germline. Inheritance: Autosomal dominant inheritance. Observed: 1 variant allele, 1 heterozygote.
Comment: This variant causes a T to C nucleotide substitution at the +6 position of intron 25 of the CACNA1S gene. To our knowledge, functional studies have not been reported for this variant. This variant has not been reported in individuals affected with CACNA1S-related disorders in the literature. This variant has been identified in 1/251302 chromosomes in the general population by the Genome Aggregation Database (gnomAD). The available evidence is insufficient to determine the role of this variant in disease conclusively. Therefore, this variant is classified as a Variant of Uncertain Significance.

This study involves interpretation of variants in research participants for the purpose of population health screening. Participant phenotype was not available at the time of variant classification. Additional details can be found in publication PMID: 35346344, PMCID: PMC8962531

Literature cited by the submitters: PubMed 17576681 (cited by Labcorp Genetics (formerly Invitae), Labcorp); PubMed 9536098 (cited by Labcorp Genetics (formerly Invitae), Labcorp).